The following is an entry in ClinVar:

NM_000284.4(PDHA1):c.291G>A (p.Gln97=)

Gene: PDHA1 (pyruvate dehydrogenase E1 subunit alpha 1; plus strand). Cytogenetic location: Xp22.12.
Variant type: single nucleotide variant.
Coding change: c.291G>A on transcript NM_000284.4 (MANE Select); coding-DNA position 291, G replaced by A.
Protein change: p.Gln97=; no amino-acid change (glutamine 97 retained).
Molecular consequence: synonymous variant.
Genome position (GRCh38, 1-based): chrX:19,350,110, G>A. VCF-style: chrX-19350110-G-A. GRCh37 (hg19) VCF-style: chrX-19368228-G-A.
Other names: c.405G>A, p.Gln135= (NM_001173454.2); c.291G>A, p.Gln97= (NM_001173455.2, NM_001173456.2).
Identifiers: ClinVar variation 4070305 (VCV004070305.1).
Genomic context (GRCh38, chrX:19,350,110, plus strand): 5'-AGCAGATCAGCTGTATAAACAGAAAATTATTCGTGGTTTCTGTCACTTGTGTGATGGTCA[G>A]GTGAGTGGTAGGTTTGTGGTGGAACTGTGTTATTTAGGTACTGAAGTATGGCTTGTACTT-3'
Protein context (NP_000275.1, residues 87-107): IRGFCHLCDG[Gln97=]EACCVGLEAG

ClinVar aggregate classification (germline): Likely pathogenic (0 of 4 stars; one submission).

Conditions:
Pyruvate dehydrogenase E1-alpha deficiency (PDHAD). Also called: ATAXIA, INTERMITTENT, WITH PYRUVATE DEHYDROGENASE DEFICIENCY; ATAXIA WITH LACTIC ACIDOSIS I; ATAXIA, INTERMITTENT, WITH ABNORMAL PYRUVATE METABOLISM; Ataxia, intermittent, with pyruvate dehydrogenase, or decarboxylase, deficiency. Identifiers: Orphanet 79243, MedGen C1839413, MONDO:0010717, OMIM 312170.

Submission:

PDHA1 Study Group, University Children’s Hospital, Paracelsus Medical University
Classification: Likely pathogenic for Pyruvate dehydrogenase E1-alpha deficiency. Last evaluated: 2024-10-15. Review status: no assertion criteria provided. Collection method: research. Allele origin: de novo. Affected: yes. Observed: 1 variant allele.
Comment: The NM_000284.3:c.291G>A (p.?) variant affects splicing in PDHA1 gene. Among them, 1 case had confirmed de novo occurrence. The variant has been reported in 1 published case (PMIDs: 27290639). Last literature search: July 12, 2024. This variant is absent or extremely rare in population-based cohorts in the Genome Aggregation Database (gnomAD). Individuals harboring this variant presented with clinical features compatible with PDHA1-related PDHc deficiency. In summary, this variant meets criteria to be classified as likely pathogenic (LP) for PDHA1-related PDHc deficiency based on the ACMG/AMP criteria applied: PS2, PM2 (last assessment October 15, 2024).

Literature cited by the submitters: PubMed 27290639; DOI 10.1093/brain/awaf430.